The following is an entry in ClinVar:

ClinVar aggregate classification (germline): Likely pathogenic. Review status: criteria provided, single submitter (1 of 4 stars). 2 submissions from 2 submitters: Likely pathogenic (1). 1 of the submissions does not count toward it. Last evaluated 2021-10-09.

Conditions:
Dilated cardiomyopathy 1G (CMD1G). Identifiers: Orphanet 154, MedGen C1858763, MONDO:0011400, OMIM 604145.
Autosomal recessive limb-girdle muscular dystrophy type 2J (LGMDR10). Also called: Limb-girdle muscular dystrophy, type 2J; MUSCULAR DYSTROPHY, LIMB-GIRDLE, AUTOSOMAL RECESSIVE 10. Identifiers: Orphanet 140922, MedGen C1837342, MONDO:0012127, OMIM 608807.

Submissions (2):

Labcorp Genetics (formerly Invitae), Labcorp
Classification: Likely pathogenic for Dilated cardiomyopathy 1G; Autosomal recessive limb-girdle muscular dystrophy type 2J. Last evaluated: 2021-10-09. Review status: criteria provided, single submitter. Criteria: Invitae Variant Classification Sherloc (09022015). Collection method: clinical testing. Allele origin: germline.
Comment: This variant is located in the A band of TTN (PMID: 25589632). Truncating variants in this region are significantly overrepresented in patients affected with dilated cardiomyopathy (PMID: 25589632). Truncating variants in this region have also been reported in individuals affected with autosomal recessive centronuclear myopathy (PMID: 23975875). In summary, the currently available evidence indicates that the variant is pathogenic, but additional data are needed to prove that conclusively. Therefore, this variant has been classified as Likely Pathogenic. This variant has not been reported in the literature in individuals affected with TTN-related conditions. This variant is not present in population databases (ExAC no frequency). This sequence change creates a premature translational stop signal (p.Ile18708Leufs*9) in the TTN gene. While this is not anticipated to result in nonsense mediated decay, it is expected to create a truncated TTN protein.

Cardiogenetics and Myogenetics Molecular and Cellular Functional Unit, Aphp Sorbonne University-Hopital Pitie Salpetriere
Classification: Likely pathogenic for Dilated cardiomyopathy 1G. Last evaluated: 2024-01-06. Review status: no assertion criteria provided. Collection method: clinical testing. Allele origin: germline. Affected: yes. Not counted in ClinVar's aggregate classification.

Literature cited by the submitters: PubMed 25589632 (cited by Labcorp Genetics (formerly Invitae), Labcorp); PubMed 23975875 (cited by Labcorp Genetics (formerly Invitae), Labcorp).

NM_001267550.2(TTN):c.56122del (p.Ile18708fs)

Genes: TTN (titin; minus strand), TTN-AS1 (TTN antisense RNA 1; plus strand). Cytogenetic location: 2q31.2.
Variant type: Deletion.
Coding change: c.56122del on transcript NM_001267550.2 (MANE Select); coding-DNA position 56122, one base deleted (A; older notation c.56122delA).
Protein change: p.Ile18708fs; shifts the reading frame from isoleucine 18708.
Molecular consequence: frameshift variant.
Genome position (GRCh38, 1-based): chr2:178,599,779, T deleted on the plus strand (A on the coding strand, the reverse complement: TTN is on the minus strand); the first of 4 consecutive T bases (chr2:178,599,779-178,599,782); deleting any one gives the same sequence. VCF-style (leftmost placement, unchanged base first): chr2-178599778-AT-A. GRCh37 (hg19) VCF-style: chr2-179464505-AT-A.
Other names: c.51199del, p.Ile17067fs (NM_001256850.1); c.28927del, p.Ile9643fs (NM_003319.4); c.48418del, p.Ile16140fs (NM_133378.4); c.29302del, p.Ile9768fs (NM_133432.3); c.29503del, p.Ile9835fs (NM_133437.4); short protein forms I17067fs, I9643fs, I9835fs, I16140fs, I18708fs, I9768fs.
Identifiers: ClinVar variation 1347013 (VCV001347013.7), dbSNP rs2154191490, ClinGen allele CA2573133774.
Genomic context (GRCh38, chr2:178,599,778, plus strand): 5'-TTATCAGGCTTCTTTGGAGGAGCTTTAAACCAGGTTAGTGTCGGGAATGGCACACCTTTA[AT>A]TTTGGCCACAATGTTAACATTGGTTCCTTCTTCAACCTCCATGAATTCTTTTAGATCAAT-3'